The following is an entry in ClinVar:

NM_002693.3(POLG):c.1936G>T (p.Val646Phe)

Gene: POLG (DNA polymerase gamma, catalytic subunit; minus strand). Cytogenetic location: 15q26.1.
Variant type: single nucleotide variant.
Coding change: c.1936G>T on transcript NM_002693.3 (MANE Select); coding-DNA position 1936, G replaced by T.
Protein change: p.Val646Phe; replaces valine 646 with phenylalanine.
Molecular consequence: missense variant.
Genome position (GRCh38, 1-based): chr15:89,325,463, C>A on the plus strand (G>T on the coding strand, the complement: POLG is on the minus strand). VCF-style: chr15-89325463-C-A. GRCh37 (hg19) VCF-style: chr15-89868694-C-A.
Other names: c.1936G>T, p.Val646Phe (NM_001126131.2); c.1936G>T (NM_002693.2); short protein forms V646F.
Identifiers: ClinVar variation 1036787 (VCV001036787.10), dbSNP rs757131755, ClinGen allele CA7724659.
Genomic context (GRCh38, chr15:89,325,463, plus strand): 5'-GGGGTCCCTAGGCTCCAGCCCCTTCCTCCCCTGGGCCTAAGCCTTACCTGTAGGGGCAGA[C>A]CACCCCAGCTGACTCCAGGGTGGTACCTGTCGGCAGCTTGGCCAGGTTGTCCCGCCGCCC-3'
Protein context (NP_002684.1, residues 636-656): TGTTLESAGV[Val646Phe]CPYRAIESLY

ClinVar aggregate classification (germline): Uncertain significance. Review status: criteria provided, multiple submitters, no conflicts (2 of 4 stars). 3 submissions from 3 submitters: Uncertain significance (3). Last evaluated 2023-11-18.

Conditions:
Progressive sclerosing poliodystrophy (MTDPS4A). Also called: NEURONAL DEGENERATION OF CHILDHOOD WITH LIVER DISEASE, PROGRESSIVE; Alpers-Huttenlocher Syndrome (AHS); ALPERS PROGRESSIVE INFANTILE POLIODYSTROPHY; Mitochondrial DNA Depletion Syndrome 4A; Alpers Syndrome; ALPERS DIFFUSE DEGENERATION OF CEREBRAL GRAY MATTER WITH HEPATIC CIRRHOSIS. Identifiers: Orphanet 726, MedGen C0205710, MONDO:0008758, OMIM 203700.
Mitochondrial DNA depletion syndrome 1. Also called: POLIP SYNDROME; POLYNEUROPATHY, OPHTHALMOPLEGIA, LEUKOENCEPHALOPATHY, AND INTESTINAL PSEUDOOBSTRUCTION; Mitochondrial neurogastrointestinal encephalomyopathy syndrome; Mitochondrial DNA depletion syndrome 1 (MNGIE type); Mitochondrial Neurogastrointestinal Encephalopathy Disease; MITOCHONDRIAL NEUROGASTROINTESTINAL ENCEPHALOPATHY SYNDROME, TYMP-RELATED. Identifiers: Orphanet 298, MedGen C4551995, MONDO:0011283, OMIM 603041.
Progressive external ophthalmoplegia with mitochondrial DNA deletions, autosomal recessive 1 (PEOB1). Also called: Progressive external ophthalmoplegia, autosomal recessive 1; Autosomal Recessive Progressive External Ophthalmoplegia (arPEO). Identifiers: Orphanet 254886, MedGen C4225153, MONDO:0009783, OMIM 258450.
Progressive external ophthalmoplegia with mitochondrial DNA deletions, autosomal dominant 1 (PEOA1). Also called: Autosomal Dominant Progressive External Ophthalmoplegia (adPEO); PROGRESSIVE EXTERNAL OPHTHALMOPLEGIA, AUTOSOMAL DOMINANT 1. Identifiers: MedGen C1834846, MONDO:0024528, OMIM 157640.
Sensory ataxic neuropathy, dysarthria, and ophthalmoparesis (SANDO). Also called: Epilepsy, progressive myoclonic, type 5; Ataxia Neuropathy Spectrum (ANS); SENSORY ATAXIC NEUROPATHY WITH MITOCHONDRIAL DNA DELETIONS, AUTOSOMAL RECESSIVE; Sensory ataxic neuropathy-dysarthria-ophthalmoparesis syndrome. Identifiers: Orphanet 70595, MedGen C1843851, MONDO:0011835, OMIM 607459.
Mitochondrial DNA depletion syndrome 4b. Also called: Mitochondrial Neurogastrointestinal Encephalopathy Disease, POLG-Related; MNGIE, POLG-RELATED. Identifiers: Orphanet 298, MedGen C3150914, MONDO:0013350, OMIM 613662.

Allele frequency attached by ClinVar (database versions not stated): ExAC 0.00001; gnomAD exomes 0.00001.

Submissions (3):

Labcorp Genetics (formerly Invitae), Labcorp
Classification: Uncertain significance for Progressive sclerosing poliodystrophy. Last evaluated: 2023-11-18. Review status: criteria provided, single submitter. Criteria: Invitae Variant Classification Sherloc (09022015). Collection method: clinical testing. Allele origin: germline.
Comment: This sequence change replaces valine, which is neutral and non-polar, with phenylalanine, which is neutral and non-polar, at codon 646 of the POLG protein (p.Val646Phe). This variant is present in population databases (rs757131755, gnomAD 0.01%). This variant has not been reported in the literature in individuals affected with POLG-related conditions. ClinVar contains an entry for this variant (Variation ID: 1036787). Advanced modeling of protein sequence and biophysical properties (such as structural, functional, and spatial information, amino acid conservation, physicochemical variation, residue mobility, and thermodynamic stability) performed at Invitae indicates that this missense variant is not expected to disrupt POLG protein function with a negative predictive value of 95%. In summary, the available evidence is currently insufficient to determine the role of this variant in disease. Therefore, it has been classified as a Variant of Uncertain Significance.

Athena Diagnostics
Classification: Uncertain significance. Last evaluated: 2023-01-04. Review status: criteria provided, single submitter. Criteria: Athena Diagnostics Criteria. Collection method: clinical testing. Allele origin: unknown.
Comment: Available data are insufficient to determine the clinical significance of the variant at this time. The frequency of this variant in the general population is uninformative in assessment of its pathogenicity. Computational tools predict that this variant is not damaging.

Fulgent Genetics
Classification: Uncertain significance for Progressive external ophthalmoplegia with mitochondrial DNA deletions, autosomal dominant 1; Progressive sclerosing poliodystrophy; Progressive external ophthalmoplegia with mitochondrial DNA deletions, autosomal recessive 1; Mitochondrial DNA depletion syndrome 1; Sensory ataxic neuropathy, dysarthria, and ophthalmoparesis; Mitochondrial DNA depletion syndrome 4b. Last evaluated: 2021-10-02. Review status: criteria provided, single submitter. Criteria: ACMG Guidelines, 2015. Collection method: clinical testing. Allele origin: unknown.

Literature cited by the submitters: PubMed 28480171 (cited by Athena Diagnostics).